The following is an entry in ClinVar:

NM_001099922.3(ALG13):c.3211T>G (p.Ser1071Ala)

Gene: ALG13 (ALG13 UDP-N-acetylglucosaminyltransferase subunit; plus strand). Cytogenetic location: Xq23.
Variant type: single nucleotide variant.
Coding change: c.3211T>G on transcript NM_001099922.3 (MANE Select); coding-DNA position 3211, T replaced by G.
Protein change: p.Ser1071Ala; replaces serine 1071 with alanine.
Molecular consequence: missense variant. On other transcripts: non-coding transcript variant (1).
Genome position (GRCh38, 1-based): chrX:111,759,796, T>G. VCF-style: chrX-111759796-T-G. GRCh37 (hg19) VCF-style: chrX-111003024-T-G.
Other names: c.2662T>G, p.Ser888Ala (NM_001257230.2, NM_001257234.2, NM_001257237.2); c.2977T>G, p.Ser993Ala (NM_001257231.2); c.2974T>G, p.Ser992Ala (NM_001324292.2); c.2488T>G, p.Ser830Ala (NM_001324293.1); short protein forms S1071A, S888A, S993A, S830A, S992A.
Identifiers: ClinVar variation 1513667 (VCV001513667.6), dbSNP rs2148530883, ClinGen allele CA414293171.

ClinVar aggregate classification (germline): Uncertain significance (1 of 4 stars; one submission).

Conditions:
Developmental and epileptic encephalopathy, 36 (DEE36). Also called: Epileptic encephalopathy, early infantile, 36; Congenital disorder of glycosylation, type Is; ALG13-CDG. Identifiers: Orphanet 324422, MedGen C4317295, MONDO:0010472, OMIM 300884.

Submission:

Labcorp Genetics (formerly Invitae), Labcorp
Classification: Uncertain significance for Developmental and epileptic encephalopathy, 36. Last evaluated: 2021-12-09. Review status: criteria provided, single submitter. Criteria: Invitae Variant Classification Sherloc (09022015). Collection method: clinical testing. Allele origin: germline.
Comment: This sequence change replaces serine, which is neutral and polar, with alanine, which is neutral and non-polar, at codon 1071 of the ALG13 protein (p.Ser1071Ala). This variant is not present in population databases (gnomAD no frequency). This variant has not been reported in the literature in individuals affected with ALG13-related conditions. Algorithms developed to predict the effect of missense changes on protein structure and function output the following: SIFT: "Tolerated"; PolyPhen-2: "Benign"; Align-GVGD: "Class C0". The alanine amino acid residue is found in multiple mammalian species, which suggests that this missense change does not adversely affect protein function. In summary, the available evidence is currently insufficient to determine the role of this variant in disease. Therefore, it has been classified as a Variant of Uncertain Significance.